The following is an entry in ClinVar:

ClinVar aggregate classification (germline): Uncertain significance (1 of 4 stars; one submission).

Conditions:
Pyridoxine-dependent epilepsy (EPEO4). Also called: Pyridoxine-Dependent Seizures; Pyridoxine-Dependent Epilepsy - ALDH7A1; PYRIDOXINE DEPENDENCY WITH SEIZURES; EPILEPSY, EARLY-ONSET, 4, VITAMIN B6-DEPENDENT. Identifiers: Orphanet 3006, MedGen C1849508, MONDO:0009945, OMIM 266100. Disease mechanism: loss of function.

Submission:

Labcorp Genetics (formerly Invitae), Labcorp
Classification: Uncertain significance for Pyridoxine-dependent epilepsy. Last evaluated: 2022-06-23. Review status: criteria provided, single submitter. Criteria: Invitae Variant Classification Sherloc (09022015). Collection method: clinical testing. Allele origin: germline.
Comment: In summary, the available evidence is currently insufficient to determine the role of this variant in disease. Therefore, it has been classified as a Variant of Uncertain Significance. This sequence change falls in intron 1 of the ALDH7A1 gene. It does not directly change the encoded amino acid sequence of the ALDH7A1 protein. Experimental studies and prediction algorithms are not available or were not evaluated, and the effect of this variant on mRNA splicing is currently unknown. This variant is also known as [c.109-9t>g, c.109-15t>c] and [c.193-9T>G; c.193-15T>C]. This variant has been observed in individual(s) with pyridoxine-dependent epilepsy (PMID: 19128417). In at least one individual the data is consistent with being in trans (on the opposite chromosome) from a pathogenic variant. Information on the frequency of this variant in the gnomAD database is not available, as this variant may be reported differently in the database.

Literature cited by the submitters: PubMed 19128417.

NM_001182.5(ALDH7A1):c.193-15_193-9delinsCCCTTTG

Gene: ALDH7A1 (aldehyde dehydrogenase 7 family member A1; minus strand). Cytogenetic location: 5q23.2.
Variant type: Indel.
Coding change: c.193-15_193-9delinsCCCTTTG on transcript NM_001182.5 (MANE Select); 15 bases into the intron before coding-DNA position 193 through 9 bases into the intron before coding-DNA position 193, TCCTTTT replaced by CCCTTTG.
Molecular consequence: intron variant.
Genome position (GRCh38, 1-based): chr5:126,593,413-126,593,419, AAAAGGA replaced by CAAAGGG on the plus strand (TCCTTTT replaced by CCCTTTG on the coding strand, the reverse complement: ALDH7A1 is on the minus strand). VCF-style: chr5-126593413-AAAAGGA-CAAAGGG. GRCh37 (hg19) VCF-style: chr5-125929105-AAAAGGA-CAAAGGG.
Other names: c.193-15_193-9delinsCCCTTTG (NM_001202404.2); c.109-15_109-9delinsCCCTTTG (NM_001201377.2).
Identifiers: ClinVar variation 2126449 (VCV002126449.4), dbSNP rs2480366754, ClinGen allele CA2580072514.